The following is an entry in ClinVar:

NM_031844.3(HNRNPU):c.754G>T (p.Asp252Tyr)

Gene: HNRNPU (heterogeneous nuclear ribonucleoprotein U; minus strand). Cytogenetic location: 1q44.
Variant type: single nucleotide variant.
Coding change: c.754G>T on transcript NM_031844.3 (MANE Select); coding-DNA position 754, G replaced by T.
Protein change: p.Asp252Tyr; replaces aspartic acid 252 with tyrosine.
Molecular consequence: missense variant.
Genome position (GRCh38, 1-based): chr1:244,862,668, C>A on the plus strand (G>T on the coding strand, the complement: HNRNPU is on the minus strand). VCF-style: chr1-244862668-C-A. GRCh37 (hg19) VCF-style: chr1-245025970-C-A.
Other names: c.697G>T, p.Asp233Tyr (NM_004501.3); short protein forms D233Y, D252Y.
Identifiers: ClinVar variation 970173 (VCV000970173.10), dbSNP rs1680869300, ClinGen allele CA345495373.
Genomic context (GRCh38, chr1:244,862,668, plus strand): 5'-GCATCCTATACCTGCTATACTTGTTCTCTTCAATGTACTCAAAATATCCACGGCCATGAT[C>A]TTCTCGTGGTCTTTTAACACCCCTCTTTTTATCTCCGCCTTTCTGTTCTGTTTTGCCGTC-3'
Protein context (NP_114032.2, residues 242-262): KKRGVKRPRE[Asp252Tyr]HGRGYFEYIE

ClinVar aggregate classification (germline): Uncertain significance (1 of 4 stars; one submission).

Conditions:
Developmental and epileptic encephalopathy, 54. Also called: HNRNPU-Related Neurodevelopmental Disorder; Epileptic encephalopathy, early infantile, 54. Identifiers: MedGen C4479319, MONDO:0033363, OMIM 617391.

Submission:

Labcorp Genetics (formerly Invitae), Labcorp
Classification: Uncertain significance for Developmental and epileptic encephalopathy, 54. Last evaluated: 2021-04-28. Review status: criteria provided, single submitter. Criteria: Invitae Variant Classification Sherloc (09022015). Collection method: clinical testing. Allele origin: germline.
Comment: In summary, the available evidence is currently insufficient to determine the role of this variant in disease. Therefore, it has been classified as a Variant of Uncertain Significance. Algorithms developed to predict the effect of missense changes on protein structure and function are either unavailable or do not agree on the potential impact of this missense change (SIFT: "Deleterious"; PolyPhen-2: "Possibly Damaging"; Align-GVGD: "Class C0"). This variant has not been reported in the literature in individuals with HNRNPU-related conditions. ClinVar contains an entry for this variant (Variation ID: 970173). This variant is not present in population databases (ExAC no frequency). This sequence change replaces aspartic acid with tyrosine at codon 252 of the HNRNPU protein (p.Asp252Tyr). The aspartic acid residue is moderately conserved and there is a large physicochemical difference between aspartic acid and tyrosine.